The following is an entry in ClinVar:

ClinVar aggregate classification (germline): Uncertain significance. Review status: criteria provided, multiple submitters, no conflicts (2 of 4 stars). 2 submissions from 2 submitters: Uncertain significance (2). Last evaluated 2026-06-05.

Conditions:
SEMA3A-related disorder. Also called: SEMA3A-related condition.

gnomAD v4.1: 24 of 1,606,746 alleles (0.0015%); highest among the groups gnomAD compares: Non-Finnish European, 0.002%; no homozygotes.

Submissions (2):

PreventionGenetics, part of Exact Sciences
Classification: Uncertain significance for SEMA3A-related condition. Last evaluated: 2026-06-05. Review status: criteria provided, single submitter. Criteria: ACMG Guidelines, 2015. Collection method: clinical testing. Allele origin: germline.
Comment: The SEMA3A c.1049G>C variant is predicted to result in the amino acid substitution p.Arg350Thr. This variant has been reported in an individual with severe early onset obesity and hypothyroidism (van der Klaauw et al. 2019. PubMed ID: 30661757). This variant is reported in 0.00090% of alleles in individuals of European (Non-Finnish) descent in gnomAD. At this time, the clinical significance of this variant is uncertain due to the absence of conclusive functional and genetic evidence.

Labcorp Genetics (formerly Invitae), Labcorp
Classification: Uncertain significance. Last evaluated: 2025-11-06. Review status: criteria provided, single submitter. Criteria: Invitae Variant Classification Sherloc (09022015). Collection method: clinical testing. Allele origin: germline.
Comment: This sequence change replaces arginine, which is basic and polar, with threonine, which is neutral and polar, at codon 350 of the SEMA3A protein (p.Arg350Thr). This variant is present in population databases (no rsID available, gnomAD 0.0009%). This variant has not been reported in the literature in individuals affected with SEMA3A-related conditions. Invitae Evidence Modeling of protein sequence and biophysical properties (such as structural, functional, and spatial information, amino acid conservation, physicochemical variation, residue mobility, and thermodynamic stability) indicates that this missense variant is not expected to disrupt SEMA3A protein function with a negative predictive value of 80%. In summary, the available evidence is currently insufficient to determine the role of this variant in disease. Therefore, it has been classified as a Variant of Uncertain Significance.

NM_006080.3(SEMA3A):c.1049G>C (p.Arg350Thr)

Gene: SEMA3A (semaphorin 3A; minus strand). Cytogenetic location: 7q21.11.
Variant type: single nucleotide variant.
Coding change: c.1049G>C on transcript NM_006080.3 (MANE Select); coding-DNA position 1049, G replaced by C.
Protein change: p.Arg350Thr; replaces arginine 350 with threonine.
Molecular consequence: missense variant.
Genome position (GRCh38, 1-based): chr7:84,007,444, C>G on the plus strand (G>C on the coding strand, the complement: SEMA3A is on the minus strand). VCF-style: chr7-84007444-C-G. GRCh37 (hg19) VCF-style: chr7-83636760-C-G.
Other names: short protein forms R350T.
Identifiers: ClinVar variation 4692264 (VCV004692264.2).